The following is an entry in ClinVar:

GRCh37/hg19 15q14(chr15:34120023-39406778)x1

Genes: ACTC1 (actin alpha cardiac muscle 1; minus strand), AQR (aquarius intron-binding spliceosomal factor; minus strand), AVEN (apoptosis and caspase activation inhibitor; minus strand), CDIN1 (CDAN1 interacting nuclease 1; plus strand), CHRM5 (cholinergic receptor muscarinic 5; plus strand) and 20 more. Cytogenetic location: 15q14.
Variant type: copy number loss.
Change: copy number 1 (one copy instead of two) of chr15:34,120,023-39,406,778 (5.29 Mb, GRCh37 coordinates, 1-based), cytogenetic band 15q14.
Identifiers: ClinVar variation 4682868 (VCV004682868.1).

ClinVar aggregate classification (germline): Pathogenic (1 of 4 stars; one submission).

Submission:

Quest Diagnostics Nichols Institute San Juan Capistrano
Classification: Pathogenic. Last evaluated: 2025-06-17. Review status: criteria provided, single submitter. Criteria: ACMG/ClinGen CNV Guidelines, 2019. Collection method: clinical testing. Allele origin: unknown.
Comment: This deletion involves at least 25 protein-coding genes. Heterozygous deletions which are either similar to or fully contained within the current interval have been reported in individuals with variable phenotypes (Chen 2008, Chen 2016, Gambin 2017, Johansson 2014, Shimojima 2017, Verheije 2019). Haploinsufficiency of MEIS2 is associated with autosomal dominant cleft palate, cardiac defects, and impaired intellectual development (OMIM 600987, CCID:007452), and haploinsufficiency of SPRED1 has been reported in association with autosomal dominant Legius syndrome (OMIM 611431, CCID:007936). There are no similar copy number losses of this region in the general populations of the Database of Genomic Variants. Therefore, this copy number variant (CNV) is classified as pathogenic. References: Chen et al., Eur J Med Genet. 2008 Jul-Aug;51(4):368-72. PMID: 18458017 Chen et al., Taiwan J Obstet Gynecol. 2016 Apr;55(2):270-4. PMID: 27125413 Gambin et al., Genome Med. 2017 Sep 21;9(1):83. PMID: 28934986 Johansson et al., Am J Med Genet A. 2014 Jul;164A(7):1622-6. PMID: 24678003 Shimojima et al., Hum Genome Var. 2017 Jul 20:4:17029. PMID: 28736618 Verheije et al., Eur J Hum Genet. 2019 Feb;27(2):278-290. PMID: 30291340